The following is an entry in ClinVar:

NM_000174.5(GP9):c.139C>T (p.Pro47Ser)

Gene: GP9 (glycoprotein IX platelet; plus strand). Cytogenetic location: 3q21.3.
Variant type: single nucleotide variant.
Coding change: c.139C>T on transcript NM_000174.5 (MANE Select); coding-DNA position 139, C replaced by T.
Protein change: p.Pro47Ser; replaces proline 47 with serine.
Molecular consequence: missense variant.
Genome position (GRCh38, 1-based): chr3:129,061,878, C>T. VCF-style: chr3-129061878-C-T. GRCh37 (hg19) VCF-style: chr3-128780721-C-T.
Other names: short protein forms P47S.
Identifiers: ClinVar variation 3768159 (VCV003768159.10).
Genomic context (GRCh38, chr3:129,061,878, plus strand): 5'-CGCGCCCTGGAAACCATGGGGCTGTGGGTGGACTGCAGGGGCCACGGACTCACGGCCCTG[C>T]CTGCCCTGCCGGCCCGCACCCGCCACCTTCTGCTGGCCAACAACAGCCTTCAGTCCGTGC-3'
Protein context (NP_000165.1, residues 37-57): DCRGHGLTAL[Pro47Ser]ALPARTRHLL

ClinVar aggregate classification (germline): Conflicting classifications of pathogenicity. Review status: criteria provided, conflicting classifications (1 of 4 stars). 3 submissions from 3 submitters: Likely pathogenic (2); Uncertain significance (1). Last evaluated 2025-06-01.

Conditions:
GP9-related disorders.

Submissions (3):

CeGaT Center for Human Genetics Tuebingen
Classification: Likely pathogenic. Last evaluated: 2025-06-01. Review status: criteria provided, single submitter. Criteria: CeGaT Center For Human Genetics Tuebingen Variant Classification Criteria Version 2. Collection method: clinical testing. Allele origin: germline. Affected: yes. Observed: 1 variant allele.
Comment: GP9: PM3:Strong, PM2

Women's Health and Genetics/Laboratory Corporation of America, LabCorp
Classification: Uncertain significance. Last evaluated: 2024-12-10. Review status: criteria provided, single submitter. Criteria: LabCorp Variant Classification Summary - May 2015. Collection method: clinical testing. Allele origin: germline.
Comment: Variant summary: GP9 c.139C>T (p.Pro47Ser) results in a non-conservative amino acid change in the encoded protein sequence. Five of five in-silico tools predict a damaging effect of the variant on protein function. The variant was absent in 244472 control chromosomes. The available data on variant occurrences in the general population are insufficient to allow any conclusion about variant significance. c.139C>T has been reported in the literature in at-least one individual affected with Bernard Soulier Syndrome (example: Savoia_2014). These data do not allow any conclusion about variant significance. To our knowledge, no experimental evidence demonstrating an impact on protein function has been reported. The following publication has been ascertained in the context of this evaluation (PMID: 24934643). No submitters have cited clinical-significance assessments for this variant to ClinVar. Based on the evidence outlined above, the variant was classified as uncertain significance.

Blueprint Genetics
Classification: Likely pathogenic for GP9-related disorders. Last evaluated: 2022-08-23. Review status: criteria provided, single submitter. Criteria: ACMG Guidelines, 2015. Collection method: clinical testing. Allele origin: germline. Affected: yes. Observed: 5 variant alleles.

Literature cited by the submitters: PubMed 24934643 (cited by Women's Health and Genetics/Laboratory Corporation of America, LabCorp).